The following is an entry in ClinVar:

NM_000548.5(TSC2):c.2776G>T (p.Asp926Tyr)

Gene: TSC2 (TSC complex subunit 2; plus strand). Cytogenetic location: 16p13.3.
Variant type: single nucleotide variant.
Coding change: c.2776G>T on transcript NM_000548.5 (MANE Select); coding-DNA position 2776, G replaced by T.
Protein change: p.Asp926Tyr; replaces aspartic acid 926 with tyrosine.
Molecular consequence: missense variant.
Genome position (GRCh38, 1-based): chr16:2,076,524, G>T. VCF-style: chr16-2076524-G-T. GRCh37 (hg19) VCF-style: chr16-2126525-G-T.
Other names: c.2776G>T, p.Asp926Tyr (NM_001077183.3, NM_001114382.3, NM_001363528.2 and 3 more transcripts); c.2665G>T, p.Asp889Tyr (NM_001318827.2); c.2629G>T, p.Asp877Tyr (NM_001318829.2); c.2176G>T, p.Asp726Tyr (NM_001318831.2); c.2809G>T, p.Asp937Tyr (NM_001318832.2); short protein forms D726Y, D877Y, D926Y, D937Y, D889Y.
Identifiers: ClinVar variation 821786 (VCV000821786.12), dbSNP rs766039435, ClinGen allele CA394279912.
Genomic context (GRCh38, chr16:2,076,524, plus strand): 5'-ACTGTCTGGGTGTGCTCACTCTGCCAGGGCCTGCGGTCCAATGTCCTCTTGTCTTTTGAT[G>T]ACACCCCCGAGAAGGACAGCTTCAGGGCCCGGAGTACTAGTCTCAACGAGAGACCCAAGA-3'
Protein context (NP_000539.2, residues 916-936): LRSNVLLSFD[Asp926Tyr]TPEKDSFRAR

ClinVar aggregate classification (germline): Uncertain significance. Review status: criteria provided, multiple submitters, no conflicts (2 of 4 stars). 2 submissions from 2 submitters: Uncertain significance (2). Last evaluated 2024-04-10.

Conditions:
Hereditary cancer-predisposing syndrome. Also called: Hereditary Cancer Syndrome; Neoplastic Syndromes, Hereditary; Hereditary neoplastic syndrome; Tumor predisposition. Identifiers: Orphanet 140162, MedGen C0027672, MeSH D009386, MONDO:0015356.
Tuberous sclerosis 2 (TSC2). Identifiers: Orphanet 805, MedGen C1860707, MONDO:0013199, OMIM 613254.

Submissions (2):

Labcorp Genetics (formerly Invitae), Labcorp
Classification: Uncertain significance for Tuberous sclerosis 2. Last evaluated: 2024-04-10. Review status: criteria provided, single submitter. Criteria: Invitae Variant Classification Sherloc (09022015). Collection method: clinical testing. Allele origin: germline.
Comment: This sequence change replaces aspartic acid, which is acidic and polar, with tyrosine, which is neutral and polar, at codon 926 of the TSC2 protein (p.Asp926Tyr). This variant is not present in population databases (gnomAD no frequency). This variant has not been reported in the literature in individuals affected with TSC2-related conditions. ClinVar contains an entry for this variant (Variation ID: 821786). Advanced modeling of protein sequence and biophysical properties (such as structural, functional, and spatial information, amino acid conservation, physicochemical variation, residue mobility, and thermodynamic stability) performed at Invitae indicates that this missense variant is not expected to disrupt TSC2 protein function with a negative predictive value of 95%. In summary, the available evidence is currently insufficient to determine the role of this variant in disease. Therefore, it has been classified as a Variant of Uncertain Significance.

Ambry Genetics
Classification: Uncertain significance for Hereditary cancer-predisposing syndrome. Last evaluated: 2022-09-30. Review status: criteria provided, single submitter. Criteria: Ambry Variant Classification Scheme 2023. Collection method: clinical testing. Allele origin: germline.
Comment: The p.D926Y variant (also known as c.2776G>T), located in coding exon 24 of the TSC2 gene, results from a G to T substitution at nucleotide position 2776. The aspartic acid at codon 926 is replaced by tyrosine, an amino acid with highly dissimilar properties. This amino acid position is highly conserved in available vertebrate species. In addition, this alteration is predicted to be deleterious by in silico analysis. Since supporting evidence is limited at this time, the clinical significance of this alteration remains unclear.